The following is an entry in ClinVar:

NM_000081.4(LYST):c.*685G>T

Gene: LYST (lysosomal trafficking regulator; minus strand). Cytogenetic location: 1q42.3.
Variant type: single nucleotide variant.
Coding change: c.*685G>T on transcript NM_000081.4 (MANE Select); 685 bases downstream of the stop codon, G replaced by T.
Molecular consequence: 3 prime UTR variant.
Genome position (GRCh38, 1-based): chr1:235,662,255, C>A on the plus strand (G>T on the coding strand, the complement: LYST is on the minus strand). VCF-style: chr1-235662255-C-A. GRCh37 (hg19) VCF-style: chr1-235825555-C-A.
Other names: c.*685G>T (NM_001301365.1).
Identifiers: ClinVar variation 296335 (VCV000296335.5), dbSNP rs77611757, ClinGen allele CA10610432.

ClinVar aggregate classification (germline): Benign (1 of 4 stars; one submission).

Conditions:
Chédiak-Higashi syndrome (CHS). Also called: Chediak-Higashi Syndrome. Identifiers: Orphanet 167, MedGen C0007965, MONDO:0008963, OMIM 214500.

Allele frequency attached by ClinVar (database versions not stated): gnomAD 0.02481; TOPMed 0.02886; 1000 Genomes Project 0.02975; 1000 Genomes Project 30x 0.03186.

Submission:

Illumina Laboratory Services, Illumina
Classification: Benign for Chédiak-Higashi syndrome. Last evaluated: 2018-01-13. Review status: criteria provided, single submitter. Criteria: ICSL Variant Classification Criteria 13 December 2019. Collection method: clinical testing. Allele origin: germline.
Comment: This variant was observed in the ICSL laboratory as part of a predisposition screen in an ostensibly healthy population. It had not been previously curated by ICSL or reported in the Human Gene Mutation Database (HGMD: prior to June 1st, 2018), and was therefore a candidate for classification through an automated scoring system. Utilizing variant allele frequency, disease prevalence and penetrance estimates, and inheritance mode, an automated score was calculated to assess if this variant is too frequent to cause the disease. Based on the score and internal cut-off values, a variant classified as benign is not then subjected to further curation. The score for this variant resulted in a classification of benign for this disease.